The following is an entry in ClinVar:

NM_017654.4(SAMD9):c.4597C>T (p.Arg1533Ter)

Gene: SAMD9 (sterile alpha motif domain containing 9; minus strand). Cytogenetic location: 7q21.2.
Variant type: single nucleotide variant.
Coding change: c.4597C>T on transcript NM_017654.4 (MANE Select); coding-DNA position 4597, C replaced by T.
Protein change: p.Arg1533Ter; replaces arginine 1533 with a stop codon.
Molecular consequence: nonsense.
Genome position (GRCh38, 1-based): chr7:93,101,501, G>A on the plus strand (C>T on the coding strand, the complement: SAMD9 is on the minus strand). VCF-style: chr7-93101501-G-A. GRCh37 (hg19) VCF-style: chr7-92730814-G-A.
Other names: c.4597C>T, p.Arg1533Ter (NM_001193307.2); short protein forms R1533*.
Identifiers: ClinVar variation 1348301 (VCV001348301.5), dbSNP rs375396225, ClinGen allele CA368177297.

ClinVar aggregate classification (germline): Uncertain significance (1 of 4 stars; one submission).

Submission:

Labcorp Genetics (formerly Invitae), Labcorp
Classification: Uncertain significance. Last evaluated: 2025-02-27. Review status: criteria provided, single submitter. Criteria: Invitae Variant Classification Sherloc (09022015). Collection method: clinical testing. Allele origin: germline.
Comment: This sequence change creates a premature translational stop signal (p.Arg1533*) in the SAMD9 gene. While this is not anticipated to result in nonsense mediated decay, it is expected to disrupt the last 57 amino acid(s) of the SAMD9 protein. This variant is not present in population databases (gnomAD no frequency). This premature translational stop signal has been observed in individual(s) with clinical features of MIRAGE syndrome, however these features may be attributed to a co-occurring gain-of-function missense variant (PMID: 28346228). ClinVar contains an entry for this variant (Variation ID: 1348301). In summary, the available evidence is currently insufficient to determine the role of this variant in disease. Therefore, it has been classified as a Variant of Uncertain Significance.

Literature cited by the submitters: PubMed 28346228.